The following is an entry in ClinVar:

NM_001173467.3(SP7):c.799C>T (p.Arg267Cys)

Gene: SP7 (Sp7 transcription factor; minus strand). Cytogenetic location: 12q13.13.
Variant type: single nucleotide variant.
Coding change: c.799C>T on transcript NM_001173467.3 (MANE Select); coding-DNA position 799, C replaced by T.
Protein change: p.Arg267Cys; replaces arginine 267 with cysteine.
Molecular consequence: missense variant.
Genome position (GRCh38, 1-based): chr12:53,328,643, G>A on the plus strand (C>T on the coding strand, the complement: SP7 is on the minus strand). VCF-style: chr12-53328643-G-A. GRCh37 (hg19) VCF-style: chr12-53722427-G-A.
Other names: p.Arg267Cys; c.745C>T, p.Arg249Cys (NM_001300837.2); c.799C>T, p.Arg267Cys (NM_152860.2); short protein forms R267C, R249C.
Identifiers: ClinVar variation 1302961 (VCV001302961.10), dbSNP rs201666834, ClinGen allele CA6599522.

ClinVar aggregate classification (germline): Uncertain significance. Review status: criteria provided, multiple submitters, no conflicts (2 of 4 stars). 5 submissions from 5 submitters: Uncertain significance (5). Last evaluated 2024-09-11.

Conditions:
Osteogenesis imperfecta (OI). Identifiers: Orphanet 666, MedGen C0029434, MeSH D010013, MONDO:0019019.

Allele frequency attached by ClinVar (database versions not stated): ExAC 0.00013; 1000 Genomes Project 30x 0.00016; gnomAD exomes 0.00018 and 0.00031; gnomAD 0.00019; 1000 Genomes Project 0.00020; TOPMed 0.00025; ESP Exome Variant Server 0.00040.
gnomAD v4.1: 485 of 1,609,750 alleles (0.03%); highest among the groups gnomAD compares: Non-Finnish European, 0.039%; no homozygotes.

Submissions (5):

Ambry Genetics
Classification: Uncertain significance. Last evaluated: 2024-09-11. Review status: criteria provided, single submitter. Criteria: Ambry Variant Classification Scheme 2023. Collection method: clinical testing. Allele origin: germline.

Mayo Clinic Laboratories, Mayo Clinic
Classification: Uncertain significance. Last evaluated: 2024-07-01. Review status: criteria provided, single submitter. Criteria: ACMG Guidelines, 2015. Collection method: clinical testing. Allele origin: germline. Observed: 1 variant allele.
Comment: BP4, PM2

Labcorp Genetics (formerly Invitae), Labcorp
Classification: Uncertain significance. Last evaluated: 2022-07-19. Review status: criteria provided, single submitter. Criteria: Invitae Variant Classification Sherloc (09022015). Collection method: clinical testing. Allele origin: germline.
Comment: This sequence change replaces arginine, which is basic and polar, with cysteine, which is neutral and slightly polar, at codon 267 of the SP7 protein (p.Arg267Cys). This variant is present in population databases (rs201666834, gnomAD 0.04%). This variant has not been reported in the literature in individuals affected with SP7-related conditions. ClinVar contains an entry for this variant (Variation ID: 1302961). Algorithms developed to predict the effect of missense changes on protein structure and function are either unavailable or do not agree on the potential impact of this missense change (SIFT: "Deleterious"; PolyPhen-2: "Benign"; Align-GVGD: "Class C0"). In summary, the available evidence is currently insufficient to determine the role of this variant in disease. Therefore, it has been classified as a Variant of Uncertain Significance.

GeneDx
Classification: Uncertain significance. Last evaluated: 2020-08-24. Review status: criteria provided, single submitter. Criteria: GeneDx Variant Classification Process June 2021. Collection method: clinical testing. Allele origin: germline. Affected: yes.
Comment: In silico analysis supports that this missense variant has a deleterious effect on protein structure/function; Has not been previously published as pathogenic or benign to our knowledge

Genome Diagnostics Laboratory, The Hospital for Sick Children
Classification: Uncertain significance for Osteogenesis imperfecta. Last evaluated: 2020-04-01. Review status: criteria provided, single submitter. Criteria: ACMG Guidelines, 2015. Collection method: clinical testing. Allele origin: germline.

Literature cited by the submitters: PubMed 38318288 (cited by Mayo Clinic Laboratories, Mayo Clinic).